The following is an entry in ClinVar:

ClinVar aggregate classification (germline): Uncertain significance (1 of 4 stars; one submission).

Allele frequency attached by ClinVar (database versions not stated): gnomAD exomes below 0.00001.
gnomAD v4.1: 1 of 1,614,180 alleles (0.000062%); highest among the groups gnomAD compares: Non-Finnish European, 0.000085%; no homozygotes.

Submission:

Labcorp Genetics (formerly Invitae), Labcorp
Classification: Uncertain significance. Last evaluated: 2022-12-06. Review status: criteria provided, single submitter. Criteria: Invitae Variant Classification Sherloc (09022015). Collection method: clinical testing. Allele origin: germline.
Comment: This sequence change replaces arginine, which is basic and polar, with threonine, which is neutral and polar, at codon 313 of the RNF13 protein (p.Arg313Thr). This variant is not present in population databases (gnomAD no frequency). This variant has not been reported in the literature in individuals affected with RNF13-related conditions. ClinVar contains an entry for this variant (Variation ID: 1449470). Advanced modeling of protein sequence and biophysical properties (such as structural, functional, and spatial information, amino acid conservation, physicochemical variation, residue mobility, and thermodynamic stability) performed at Invitae indicates that this missense variant is not expected to disrupt RNF13 protein function. In summary, the available evidence is currently insufficient to determine the role of this variant in disease. Therefore, it has been classified as a Variant of Uncertain Significance.

NM_183381.3(RNF13):c.938G>C (p.Arg313Thr)

Gene: RNF13 (ring finger protein 13; plus strand). Cytogenetic location: 3q25.1.
Variant type: single nucleotide variant.
Coding change: c.938G>C on transcript NM_183381.3 (MANE Select); coding-DNA position 938, G replaced by C.
Protein change: p.Arg313Thr; replaces arginine 313 with threonine.
Molecular consequence: missense variant. On other transcripts: non-coding transcript variant (1).
Genome position (GRCh38, 1-based): chr3:149,960,896, G>C. VCF-style: chr3-149960896-G-C. GRCh37 (hg19) VCF-style: chr3-149678683-G-C.
Other names: c.938G>C, p.Arg313Thr (NM_001378285.1, NM_001378286.1, NM_007282.4); c.581G>C, p.Arg194Thr (NM_001378287.1, NM_001378288.1, NM_001378289.1 and 2 more transcripts); c.545G>C, p.Arg182Thr (NM_001378291.1); short protein forms R194T, R313T, R182T.
Identifiers: ClinVar variation 1449470 (VCV001449470.6), dbSNP rs2108622456, ClinGen allele CA354935992.
Genomic context (GRCh38, chr3:149,960,896, plus strand): 5'-ACTCTGACACAGACAGTAGTCAAGAAGAAAATGAAGTGACAGAACATACCCCTTTACTGA[G>C]ACCTTTAGCTTCTGTCAGTGCCCAGTCATTTGGGGCTTTATCGGAATCCCGCTCACATCA-3'
Protein context (NP_899237.1, residues 303-323): NEVTEHTPLL[Arg313Thr]PLASVSAQSF